The following is an entry in ClinVar:

NM_001371904.1(APOA5):c.85G>A (p.Asp29Asn)

Genes: APOA5 (apolipoprotein A5; minus strand), LOC108491825 (enhancer-blocking element 11-1-2 overlapping APOA5; plus strand). Cytogenetic location: 11q23.3.
Variant type: single nucleotide variant.
Coding change: c.85G>A on transcript NM_001371904.1 (MANE Select); coding-DNA position 85, G replaced by A.
Protein change: p.Asp29Asn; replaces aspartic acid 29 with asparagine.
Molecular consequence: missense variant.
Genome position (GRCh38, 1-based): chr11:116,791,662, C>T on the plus strand (G>A on the coding strand, the complement: APOA5 is on the minus strand). VCF-style: chr11-116791662-C-T. GRCh37 (hg19) VCF-style: chr11-116662378-C-T.
Other names: c.85G>A, p.Asp29Asn (NM_001166598.2, NM_052968.5); short protein forms D29N.
Identifiers: ClinVar variation 1764008 (VCV001764008.8), dbSNP rs139630081, ClinGen allele CA6289162.
Genomic context (GRCh38, chr11:116,791,662, plus strand): 5'-TCTTCTGCTGATGGATCTGCTCCACCCTGCCTTTGTCCCCGCTGGTCTGGCTGAAGTAGT[C>T]CCAGAAGCCTTTCCGTGCCTGGGTGGCCGAAAACGCTGTGGAGAGGGACTAGGTAATCAG-3'
Protein context (NP_001358833.1, residues 19-39): SATQARKGFW[Asp29Asn]YFSQTSGDKG

ClinVar aggregate classification (germline): Uncertain significance. Review status: criteria provided, multiple submitters, no conflicts (2 of 4 stars). 2 submissions from 2 submitters: Uncertain significance (2). Last evaluated 2024-08-07.

Conditions:
Cardiovascular phenotype. Identifiers: MedGen CN230736.

Allele frequency attached by ClinVar (database versions not stated): ExAC 0.00002; gnomAD exomes 0.00003; ESP Exome Variant Server 0.00008.
gnomAD v4.1: 47 of 1,610,768 alleles (0.0029%); highest among the groups gnomAD compares: Non-Finnish European, 0.0038%; no homozygotes.

Submissions (2):

Ambry Genetics
Classification: Uncertain significance for Cardiovascular phenotype. Last evaluated: 2024-08-07. Review status: criteria provided, single submitter. Criteria: Ambry Variant Classification Scheme 2023. Collection method: clinical testing. Allele origin: germline.
Comment: The p.D29N variant (also known as c.85G>A), located in coding exon 2 of the APOA5 gene, results from a G to A substitution at nucleotide position 85. The aspartic acid at codon 29 is replaced by asparagine, an amino acid with highly similar properties. This amino acid position is conserved. In addition, this alteration is predicted to be tolerated by in silico analysis. Since supporting evidence is limited at this time, the clinical significance of this alteration remains unclear.

Labcorp Genetics (formerly Invitae), Labcorp
Classification: Uncertain significance. Last evaluated: 2022-04-25. Review status: criteria provided, single submitter. Criteria: Invitae Variant Classification Sherloc (09022015). Collection method: clinical testing. Allele origin: germline.
Comment: In summary, the available evidence is currently insufficient to determine the role of this variant in disease. Therefore, it has been classified as a Variant of Uncertain Significance. Algorithms developed to predict the effect of missense changes on protein structure and function are either unavailable or do not agree on the potential impact of this missense change (SIFT: "Deleterious"; PolyPhen-2: "Possibly Damaging"; Align-GVGD: "Class C0"). This variant has not been reported in the literature in individuals affected with APOA5-related conditions. This variant is present in population databases (rs139630081, gnomAD 0.006%). This sequence change replaces aspartic acid, which is acidic and polar, with asparagine, which is neutral and polar, at codon 29 of the APOA5 protein (p.Asp29Asn).